The following is an entry in ClinVar:

ClinVar aggregate classification (germline): Likely benign. Review status: criteria provided, multiple submitters, no conflicts (2 of 4 stars). 2 submissions from 2 submitters: Likely benign (2). Last evaluated 2018-06-12.

Allele frequency attached by ClinVar (database versions not stated): gnomAD 0.00570 and 0.00605; TOPMed 0.00656; 1000 Genomes Project 0.00659; 1000 Genomes Project 30x 0.00750.
gnomAD v4.1: 860 of 151,856 alleles (0.57%); highest among the groups gnomAD compares: African/African-American, 2%; 7 homozygotes.

Submissions (2):

GeneDx
Classification: Likely benign. Last evaluated: 2018-06-12. Review status: criteria provided, single submitter. Criteria: GeneDx Variant Classification (06012015). Collection method: clinical testing. Allele origin: germline. Affected: yes.
Comment: This variant is considered likely benign or benign based on one or more of the following criteria: it is a conservative change, it occurs at a poorly conserved position in the protein, it is predicted to be benign by multiple in silico algorithms, and/or has population frequency not consistent with disease.

Breakthrough Genomics
Classification: Likely benign. Review status: criteria provided, single submitter. Criteria: ACMG Guidelines, 2015. Collection method: not provided. Allele origin: germline. Inheritance: Autosomal dominant inheritance. Affected: yes.

NM_004329.3(BMPR1A):c.676-186G>A

Gene: BMPR1A (bone morphogenetic protein receptor type 1A; plus strand). Cytogenetic location: 10q23.2.
Variant type: single nucleotide variant.
Coding change: c.676-186G>A on transcript NM_004329.3 (MANE Select); 186 bases into the intron before coding-DNA position 676, G replaced by A.
Molecular consequence: intron variant.
Genome position (GRCh38, 1-based): chr10:86,916,948, G>A. VCF-style: chr10-86916948-G-A. GRCh37 (hg19) VCF-style: chr10-88676705-G-A.
Identifiers: ClinVar variation 683579 (VCV000683579.2), dbSNP rs113037361, ClinGen allele CA211206725.